The following is an entry in ClinVar:

NM_024675.4(PALB2):c.49-21_49-19del

Gene: PALB2 (partner and localizer of BRCA2; minus strand). Cytogenetic location: 16p12.2.
Variant type: Microsatellite.
Coding change: c.49-21_49-19del on transcript NM_024675.4 (MANE Select); 21 bases into the intron before coding-DNA position 49 through 19 bases into the intron before coding-DNA position 49, 3 bases deleted (TTG; older notation c.49-21_49-19delTTG).
Molecular consequence: intron variant.
Genome position (GRCh38, 1-based): chr16:23,638,148-23,638,150, CAA deleted on the plus strand (TTG on the coding strand, the reverse complement: PALB2 is on the minus strand); deleting any 3 consecutive bases within chr16:23,638,148-23,638,153 gives the same sequence; the c. name uses the placement nearest the transcript's 3' end. VCF-style (leftmost placement, unchanged base first): chr16-23638147-CCAA-C. GRCh37 (hg19) VCF-style: chr16-23649468-CCAA-C.
Other names: c.49-21_49-19del (NM_001407297.1, NM_001407302.1, NM_001407298.1 and 3 more transcripts); c.-837-21_-837-19del (NM_001407309.1, NM_001407307.1, NM_001407308.1 and 5 more transcripts); c.48+2960_48+2962del (NM_001407314.1); c.-105+2960_-105+2962del (NM_001407313.1, NM_001407312.1); c.49-198_49-196del (NM_001407296.1).
Identifiers: ClinVar variation 3904510 (VCV003904510.1).

ClinVar aggregate classification (germline): Benign (1 of 4 stars; one submission).

Conditions:
Familial cancer of breast. Also called: Hereditary breast cancer; hereditary breast carcinoma; BREAST CANCER, FAMILIAL. Identifiers: Orphanet 227535, MedGen C0346153, MONDO:0016419, OMIM 114480. Disease mechanism: loss of function.

Submission:

Myriad Genetics, Inc.
Classification: Benign for Familial cancer of breast. Last evaluated: 2025-01-09. Review status: criteria provided, single submitter. Criteria: Myriad Autosomal Dominant, Autosomal Recessive and X-Linked Classification Criteria (2023). Collection method: clinical testing. Allele origin: unknown.
Comment: This variant is considered benign. This variant is intronic and is not expected to impact mRNA splicing.